The following is an entry in ClinVar:

ClinVar aggregate classification (germline): Uncertain significance. Review status: criteria provided, multiple submitters, no conflicts (2 of 4 stars). 3 submissions from 3 submitters: Uncertain significance (3). Last evaluated 2025-11-08.

Conditions:
Nephronophthisis. Also called: Juvenile Nephronophthisis. Identifiers: Orphanet 655, MedGen C0687120, MONDO:0019005, HP:0000090.
Joubert syndrome. Also called: Familial aplasia of the vermis; JOUBERT-BOLTSHAUSER SYNDROME. Identifiers: Orphanet 475, MedGen C5979921, MONDO:0018772.
Meckel-Gruber syndrome. Also called: Dysencephalia splachnocystica; DYSENCEPHALIA SPLANCHNOCYSTICA; GRUBER SYNDROME. Identifiers: Orphanet 564, MedGen C0265215, MONDO:0018921.
Inborn genetic diseases. Identifiers: MedGen C0950123, MeSH D030342.

Allele frequency attached by ClinVar (database versions not stated): gnomAD exomes below 0.00001.
gnomAD v4.1: 1 of 1,599,460 alleles (0.000063%); highest among the groups gnomAD compares: Middle Eastern, 0.017%; no homozygotes.

Submissions (3):

Ambry Genetics
Classification: Uncertain significance for Inborn genetic diseases. Last evaluated: 2025-11-08. Review status: criteria provided, single submitter. Criteria: Ambry Variant Classification Scheme 2023. Collection method: clinical testing. Allele origin: germline.

Labcorp Genetics (formerly Invitae), Labcorp
Classification: Uncertain significance for Joubert syndrome; Meckel-Gruber syndrome; Nephronophthisis. Last evaluated: 2022-06-20. Review status: criteria provided, single submitter. Criteria: Invitae Variant Classification Sherloc (09022015). Collection method: clinical testing. Allele origin: germline.
Comment: This sequence change replaces leucine, which is neutral and non-polar, with isoleucine, which is neutral and non-polar, at codon 962 of the CEP290 protein (p.Leu962Ile). This variant is not present in population databases (gnomAD no frequency). This variant has not been reported in the literature in individuals affected with CEP290-related conditions. Algorithms developed to predict the effect of missense changes on protein structure and function are either unavailable or do not agree on the potential impact of this missense change (SIFT: "Deleterious"; PolyPhen-2: "Probably Damaging"; Align-GVGD: "Class C0"). In summary, the available evidence is currently insufficient to determine the role of this variant in disease. Therefore, it has been classified as a Variant of Uncertain Significance.

Blueprint Genetics
Classification: Uncertain significance. Last evaluated: 2020-12-17. Review status: criteria provided, single submitter. Criteria: ACMG Guidelines, 2015. Collection method: clinical testing. Allele origin: germline.

NM_025114.4(CEP290):c.2884C>A (p.Leu962Ile)

Gene: CEP290 (centrosomal protein 290; minus strand). Cytogenetic location: 12q21.32.
Variant type: single nucleotide variant.
Coding change: c.2884C>A on transcript NM_025114.4 (MANE Select); coding-DNA position 2884, C replaced by A.
Protein change: p.Leu962Ile; replaces leucine 962 with isoleucine.
Molecular consequence: missense variant.
Genome position (GRCh38, 1-based): chr12:88,102,945, G>T on the plus strand (C>A on the coding strand, the complement: CEP290 is on the minus strand). VCF-style: chr12-88102945-G-T. GRCh37 (hg19) VCF-style: chr12-88496722-G-T.
Other names: c.2884C>A (NM_025114.3); short protein forms L962I.
Identifiers: ClinVar variation 2181241 (VCV002181241.3), dbSNP rs2500528187, ClinGen allele CA385969701.